The following is an entry in ClinVar:

ClinVar aggregate classification (germline): Benign (1 of 4 stars; one submission).

Allele frequency attached by ClinVar (database versions not stated): 1000 Genomes Project 0.00020; 1000 Genomes Project 30x 0.00031; ExAC 0.00196; gnomAD 0.00196; TOPMed 0.00215; ESP Exome Variant Server 0.00267; gnomAD exomes 0.00340.

Submission:

CeGaT Center for Human Genetics Tuebingen
Classification: Benign. Last evaluated: 2023-03-01. Review status: criteria provided, single submitter. Criteria: CeGaT Center For Human Genetics Tuebingen Variant Classification Criteria Version 2. Collection method: clinical testing. Allele origin: germline. Affected: yes. Observed: 2 variant alleles.
Comment: AHNAK2: BS1, BS2

NM_138420.4(AHNAK2):c.16501G>A (p.Val5501Met)

Gene: AHNAK2 (AHNAK nucleoprotein 2; minus strand). Cytogenetic location: 14q32.33.
Variant type: single nucleotide variant.
Coding change: c.16501G>A on transcript NM_138420.4 (MANE Select); coding-DNA position 16501, G replaced by A.
Protein change: p.Val5501Met; replaces valine 5501 with methionine.
Molecular consequence: missense variant.
Genome position (GRCh38, 1-based): chr14:104,938,950, C>T on the plus strand (G>A on the coding strand, the complement: AHNAK2 is on the minus strand). VCF-style: chr14-104938950-C-T. GRCh37 (hg19) VCF-style: chr14-105405287-C-T.
Other names: c.16201G>A, p.Val5401Met (NM_001350929.2); short protein forms V5401M, V5501M.
Identifiers: ClinVar variation 2644631 (VCV002644631.24), dbSNP rs201885720, ClinGen allele CA7377306.